The following is an entry in ClinVar:

ClinVar aggregate classification (germline): Benign. Review status: criteria provided, single submitter (1 of 4 stars). 2 submissions from 2 submitters: Benign (1). 1 of the submissions does not count toward it. Last evaluated 2018-03-28.

Conditions:
ARMC5-related disorder. Also called: ARMC5-related condition.

Allele frequency attached by ClinVar (database versions not stated): gnomAD exomes 0.00009 and 0.00025; ExAC 0.00030; 1000 Genomes Project 30x 0.00047; ESP Exome Variant Server 0.00048; gnomAD 0.00055 and 0.00058; TOPMed 0.00058; 1000 Genomes Project 0.00060.

Submissions (2):

Labcorp Genetics (formerly Invitae), Labcorp
Classification: Benign. Last evaluated: 2018-03-28. Review status: criteria provided, single submitter. Criteria: Invitae Variant Classification Sherloc (09022015). Collection method: clinical testing. Allele origin: germline.

PreventionGenetics, part of Exact Sciences
Classification: Likely benign for ARMC5-related condition. Last evaluated: 2022-08-05. Review status: no assertion criteria provided. Collection method: clinical testing. Allele origin: germline. Not counted in ClinVar's aggregate classification.
Comment: This variant is classified as likely benign based on ACMG/AMP sequence variant interpretation guidelines (Richards et al. 2015 PMID: 25741868, with internal and published modifications).

NM_001105247.2(ARMC5):c.1152C>T (p.Ser384=)

Gene: ARMC5 (armadillo repeat containing 5; plus strand). Cytogenetic location: 16p11.2.
Variant type: single nucleotide variant.
Coding change: c.1152C>T on transcript NM_001105247.2 (MANE Select); coding-DNA position 1152, C replaced by T.
Protein change: p.Ser384=; no amino-acid change (serine 384 retained).
Molecular consequence: synonymous variant.
Genome position (GRCh38, 1-based): chr16:31,462,699, C>T. VCF-style: chr16-31462699-C-T. GRCh37 (hg19) VCF-style: chr16-31474020-C-T.
Other names: c.1437C>T, p.Ser479= (NM_001288767.2); c.1248C>T, p.Ser416= (NM_001301820.1); c.1152C>T, p.Ser384= (NM_024742.2); c.1437C>T (NM_001288767.1).
Identifiers: ClinVar variation 737447 (VCV000737447.5), dbSNP rs201436376, ClinGen allele CA8029611.